The following is an entry in ClinVar:

ClinVar aggregate classification (germline): Uncertain significance. Review status: criteria provided, multiple submitters, no conflicts (2 of 4 stars). 2 submissions from 2 submitters: Uncertain significance (2). Last evaluated 2025-06-28.

Conditions:
Fanconi anemia (FA). Also called: Fanconi's anemia. Identifiers: Orphanet 84, MedGen C0015625, MeSH D005199, MONDO:0019391.
Inborn genetic diseases. Identifiers: MedGen C0950123, MeSH D030342.

gnomAD v4.1: 1 of 1,614,118 alleles (0.000062%); highest among the groups gnomAD compares: Non-Finnish European, 0.000085%; no homozygotes.

Submissions (2):

Ambry Genetics
Classification: Uncertain significance for Inborn genetic diseases. Last evaluated: 2025-06-28. Review status: criteria provided, single submitter. Criteria: Ambry Variant Classification Scheme 2023. Collection method: clinical testing. Allele origin: germline.
Comment: The p.C1819Y variant (also known as c.5456G>A), located in coding exon 21 of the FANCM gene, results from a G to A substitution at nucleotide position 5456. The cysteine at codon 1819 is replaced by tyrosine, an amino acid with highly dissimilar properties. This amino acid position is conserved. In addition, this alteration is predicted to be tolerated by in silico analysis. Based on the available evidence, the clinical significance of this variant remains unclear.

Labcorp Genetics (formerly Invitae), Labcorp
Classification: Uncertain significance for Fanconi anemia. Last evaluated: 2022-07-01. Review status: criteria provided, single submitter. Criteria: Invitae Variant Classification Sherloc (09022015). Collection method: clinical testing. Allele origin: germline.
Comment: In summary, the available evidence is currently insufficient to determine the role of this variant in disease. Therefore, it has been classified as a Variant of Uncertain Significance. Algorithms developed to predict the effect of missense changes on protein structure and function output the following: SIFT: "Deleterious"; PolyPhen-2: "Benign"; Align-GVGD: "Class C0". The tyrosine amino acid residue is found in multiple mammalian species, which suggests that this missense change does not adversely affect protein function. This variant has not been reported in the literature in individuals affected with FANCM-related conditions. This variant is not present in population databases (gnomAD no frequency). This sequence change replaces cysteine, which is neutral and slightly polar, with tyrosine, which is neutral and polar, at codon 1819 of the FANCM protein (p.Cys1819Tyr).

NM_020937.4(FANCM):c.5456G>A (p.Cys1819Tyr)

Gene: FANCM (FA complementation group M; plus strand). Cytogenetic location: 14q21.2.
Variant type: single nucleotide variant.
Coding change: c.5456G>A on transcript NM_020937.4 (MANE Select); coding-DNA position 5456, G replaced by A.
Protein change: p.Cys1819Tyr; replaces cysteine 1819 with tyrosine.
Molecular consequence: missense variant.
Genome position (GRCh38, 1-based): chr14:45,196,287, G>A. VCF-style: chr14-45196287-G-A. GRCh37 (hg19) VCF-style: chr14-45665490-G-A.
Other names: c.5378G>A, p.Cys1793Tyr (NM_001308133.2); short protein forms C1793Y, C1819Y.
Identifiers: ClinVar variation 2029668 (VCV002029668.5), dbSNP rs1890051844, ClinGen allele CA389585896.